The following is an entry in ClinVar:

ClinVar aggregate classification (germline): Benign/Likely benign. Review status: criteria provided, multiple submitters, no conflicts (2 of 4 stars). 9 submissions from 9 submitters: Benign (3); Likely benign (4). 2 of the submissions do not count toward it. Last evaluated 2026-02-01.

Conditions:
3-methylglutaconic aciduria with deafness, encephalopathy, and Leigh-like syndrome (MEGDEL). Also called: MEGDEL syndrome; 3-METHYLGLUTACONIC ACIDURIA, TYPE VI; SERAC1 Deficiency. Identifiers: Orphanet 352328, MedGen C4040739, MONDO:0013875, OMIM 614739.
Inborn genetic diseases. Identifiers: MedGen C0950123, MeSH D030342.

Allele frequency attached by ClinVar (database versions not stated): gnomAD exomes 0.00077; ExAC 0.00099; 1000 Genomes Project 0.00260; gnomAD 0.00286 and 0.00309; 1000 Genomes Project 30x 0.00312; TOPMed 0.00321; ESP Exome Variant Server 0.00323.
gnomAD v4.1: 818 of 1,613,308 alleles (0.051%); highest among the groups gnomAD compares: African/African-American, 0.97%; 5 homozygotes.

Submissions (9):

Labcorp Genetics (formerly Invitae), Labcorp
Classification: Benign for 3-methylglutaconic aciduria with deafness, encephalopathy, and Leigh-like syndrome. Last evaluated: 2026-02-01. Review status: criteria provided, single submitter. Criteria: Invitae Variant Classification Sherloc (09022015). Collection method: clinical testing. Allele origin: germline.

Ambry Genetics
Classification: Likely benign for Inborn genetic diseases. Last evaluated: 2025-04-04. Review status: criteria provided, single submitter. Criteria: Ambry Variant Classification Scheme 2023. Collection method: clinical testing. Allele origin: germline.

Blueprint Genetics
Classification: Likely benign. Last evaluated: 2024-11-25. Review status: criteria provided, single submitter. Criteria: ACMG Guidelines, 2015. Collection method: clinical testing. Allele origin: germline.

CeGaT Center for Human Genetics Tuebingen
Classification: Benign. Last evaluated: 2023-09-01. Review status: criteria provided, single submitter. Criteria: CeGaT Center For Human Genetics Tuebingen Variant Classification Criteria Version 2. Collection method: clinical testing. Allele origin: germline. Affected: yes. Observed: 1 variant allele.
Comment: SERAC1: BP4, BS1, BS2

Genome-Nilou Lab
Classification: Likely benign for 3-methylglutaconic aciduria with deafness, encephalopathy, and Leigh-like syndrome. Last evaluated: 2022-03-15. Review status: criteria provided, single submitter. Criteria: ACMG Guidelines, 2015. Collection method: clinical testing. Allele origin: germline. Affected: no.

GeneDx
Classification: Benign. Last evaluated: 2018-06-19. Review status: criteria provided, single submitter. Criteria: GeneDx Variant Classification Process June 2021. Collection method: clinical testing. Allele origin: germline. Affected: yes.

Center for Pediatric Genomic Medicine, Children's Mercy Hospital and Clinics
Classification: Likely benign. Last evaluated: 2016-10-11. Review status: criteria provided, single submitter. Criteria: ACMG Guidelines, 2015. Collection method: clinical testing. Allele origin: germline.
ClinVar note: Converted during submission from Likely Benign to Likely benign.

Clinical Genetics DNA and cytogenetics Diagnostics Lab, Erasmus MC, Erasmus Medical Center
Classification: Benign. Review status: no assertion criteria provided. Collection method: clinical testing. Allele origin: germline. Affected: yes. Study: VKGL Data-share Consensus. Not counted in ClinVar's aggregate classification.

Laboratory of Diagnostic Genome Analysis, Leiden University Medical Center (LUMC)
Classification: Likely benign. Review status: no assertion criteria provided. Collection method: clinical testing. Allele origin: germline. Affected: yes. Study: VKGL Data-share Consensus. Not counted in ClinVar's aggregate classification.

NM_032861.4(SERAC1):c.62C>T (p.Pro21Leu)

Gene: SERAC1 (serine active site containing 1; minus strand). Cytogenetic location: 6q25.3.
Variant type: single nucleotide variant.
Coding change: c.62C>T on transcript NM_032861.4 (MANE Select); coding-DNA position 62, C replaced by T.
Protein change: p.Pro21Leu; replaces proline 21 with leucine.
Molecular consequence: missense variant. On other transcripts: non-coding transcript variant (1).
Genome position (GRCh38, 1-based): chr6:158,158,302, G>A on the plus strand (C>T on the coding strand, the complement: SERAC1 is on the minus strand). VCF-style: chr6-158158302-G-A. GRCh37 (hg19) VCF-style: chr6-158579334-G-A.
Other names: p.P21L:CCA>CTA; short protein forms P21L.
Identifiers: ClinVar variation 215149 (VCV000215149.43), dbSNP rs147194699, ClinGen allele CA321944.